The following is an entry in ClinVar:

NM_024422.6(DSC2):c.854T>C (p.Ile285Thr)

Gene: DSC2 (desmocollin 2; minus strand). Cytogenetic location: 18q12.1.
Variant type: single nucleotide variant.
Coding change: c.854T>C on transcript NM_024422.6 (MANE Select); coding-DNA position 854, T replaced by C.
Protein change: p.Ile285Thr; replaces isoleucine 285 with threonine.
Molecular consequence: missense variant.
Genome position (GRCh38, 1-based): chr18:31,086,664, A>G on the plus strand (T>C on the coding strand, the complement: DSC2 is on the minus strand). VCF-style: chr18-31086664-A-G. GRCh37 (hg19) VCF-style: chr18-28666627-A-G.
Other names: c.854T>C, p.Ile285Thr (NM_004949.5); short protein forms I285T.
Identifiers: ClinVar variation 326398 (VCV000326398.43), dbSNP rs199918720, ClinGen allele CA040230.

ClinVar aggregate classification (germline): Conflicting classifications of pathogenicity. Review status: criteria provided, conflicting classifications (1 of 4 stars). 12 submissions from 12 submitters: Uncertain significance (5); Likely benign (3). 4 of the submissions do not count toward it. Last evaluated 2026-10-20.

Conditions:
Cardiovascular phenotype. Identifiers: MedGen CN230736.
Familial isolated arrhythmogenic right ventricular dysplasia. Identifiers: Orphanet 217656, MedGen C4274968, MONDO:0016342.
Cardiomyopathy (CMYO). Also called: Cardiomyopathies. Identifiers: Orphanet 167848, MedGen C0878544, MONDO:0004994, HP:0001638. Inheritance: Various modes of inheritance.
Arrhythmogenic right ventricular dysplasia 11. Also called: Arrhythmogenic Right Ventricular Dysplasia/Cardiomyopathy11; ARRHYTHMOGENIC RIGHT VENTRICULAR DYSPLASIA, FAMILIAL, 11; Arrhythmogenic right ventricular dysplasia 11 with mild palmoplantar keratoderma and woolly hair. Identifiers: MedGen C1864850, MONDO:0012506, OMIM 610476.

Allele frequency attached by ClinVar (database versions not stated): gnomAD exomes 0.00006 and 0.00014; gnomAD 0.00021 and 0.00022; TOPMed 0.00005; ESP Exome Variant Server 0.00008; ExAC 0.00016.

Submissions (12):

GeneDx
Classification: Uncertain significance. Last evaluated: 2026-10-20. Review status: criteria provided, single submitter. Criteria: GeneDx Variant Classification Process June 2021. Collection method: clinical testing. Allele origin: germline.
Comment: In silico analysis supports that this missense variant has a deleterious effect on protein structure/function; This variant is associated with the following publications: (PMID: 25351510, 30847666)

Labcorp Genetics (formerly Invitae), Labcorp
Classification: Likely benign for Arrhythmogenic right ventricular dysplasia 11. Last evaluated: 2026-01-14. Review status: criteria provided, single submitter. Criteria: Invitae Variant Classification Sherloc (09022015). Collection method: clinical testing. Allele origin: germline.

Color Diagnostics, LLC DBA Color Health
Classification: Likely benign for Cardiomyopathy. Last evaluated: 2025-06-30. Review status: criteria provided, single submitter. Criteria: ACMG Guidelines, 2015. Collection method: clinical testing. Allele origin: germline.

All of Us Research Program, National Institutes of Health
Classification: Uncertain significance for Familial isolated arrhythmogenic right ventricular dysplasia. Last evaluated: 2024-09-23. Review status: criteria provided, single submitter. Criteria: ACMG Guidelines, 2015. Collection method: clinical testing. Allele origin: germline. Inheritance: Autosomal dominant inheritance. Observed: 19 variant alleles, 19 heterozygotes.
Comment: This missense variant replaces isoleucine with threonine at codon 285 of the DSC2 protein. Computational prediction suggests that this variant may not impact protein structure and function (internally defined REVEL score threshold <= 0.5, PMID: 27666373). To our knowledge, functional studies have not been reported for this variant. This variant has been reported in an individual affected with hypertrophic cardiomyopathy (PMID: 25351510) and in individuals suspected of having noncompaction cardiomyopathy or arrhythmogenic right ventricular cardiomyopathy (PMID: 30847666). This variant occurs at an appreciable frequency in the general population and has been identified in 40/282762 chromosomes ((33/25085 Finnish European chromosomes) by the Genome Aggregation Database (gnomAD). The available evidence is insufficient to determine the role of this variant in disease conclusively. Therefore, this variant is classified as a Variant of Uncertain Significance.

This study involves interpretation of variants in research participants for the purpose of population health screening. Participant phenotype was not available at the time of variant classification. Additional details can be found in publication PMID: 35346344, PMCID: PMC8962531

Blueprint Genetics
Classification: Likely benign. Last evaluated: 2024-09-11. Review status: criteria provided, single submitter. Criteria: ACMG Guidelines, 2015. Collection method: clinical testing. Allele origin: germline.

Ambry Genetics
Classification: Uncertain significance for Cardiovascular phenotype. Last evaluated: 2023-02-01. Review status: criteria provided, single submitter. Criteria: Ambry Variant Classification Scheme 2023. Collection method: clinical testing. Allele origin: germline.
Comment: The p.I285T variant (also known as c.854T>C), located in coding exon 7 of the DSC2 gene, results from a T to C substitution at nucleotide position 854. The isoleucine at codon 285 is replaced by threonine, an amino acid with similar properties. This alteration has been reported in hypertrophic cardiomyopathy (HCM) and cardiomyopathy genetic testing cohorts; however, clinical details were limited and additional cardiac variants were detected in some cases (Lopes LR et al. Heart, 2015 Feb;101:294-301; van Lint FHM et al. Neth Heart J, 2019 Jun;27:304-309). This amino acid position is poorly conserved in available vertebrate species. In addition, this alteration is predicted to be tolerated by in silico analysis. Since supporting evidence is limited at this time, the clinical significance of this alteration remains unclear.

ARUP Laboratories, Molecular Genetics and Genomics, ARUP Laboratories
Classification: Uncertain significance. Last evaluated: 2018-09-20. Review status: criteria provided, single submitter. Criteria: ARUP Molecular Germline Variant Investigation Process. Collection method: clinical testing. Allele origin: germline.
Comment: The DSC2 c.854T>C; p.Ile285Thr variant (rs199918720), to our knowledge, is not reported in the medical literature but is reported in ClinVar (Variation ID: 326398). This variant is found in the Finnish European population with an overall allele frequency of 0.13% (34/ 25786 alleles) in the Genome Aggregation Database. The isoleucine at codon 285 is moderately conserved, but computational analyses (SIFT: damaging, PolyPhen-2: benign) predict conflicting effects of this variant on protein structure/function. Due to limited information, the clinical significance of the p.Ile285Thr variant is uncertain at this time.

Illumina Laboratory Services, Illumina
Classification: Uncertain significance for Arrhythmogenic right ventricular dysplasia 11. Last evaluated: 2018-01-12. Review status: criteria provided, single submitter. Criteria: ICSL Variant Classification Criteria 13 December 2019. Collection method: clinical testing. Allele origin: germline.

Clinical Genetics DNA and cytogenetics Diagnostics Lab, Erasmus MC, Erasmus Medical Center
Classification: Uncertain significance. Review status: no assertion criteria provided. Collection method: clinical testing. Allele origin: germline. Affected: yes. Study: VKGL Data-share Consensus. Not counted in ClinVar's aggregate classification.

Clinical Genetics, Academic Medical Center
Classification: Uncertain significance. Review status: no assertion criteria provided. Collection method: clinical testing. Allele origin: germline. Affected: yes. Study: VKGL Data-share Consensus. Not counted in ClinVar's aggregate classification.

Diagnostic Laboratory, Department of Genetics, University Medical Center Groningen
Classification: Uncertain significance. Review status: no assertion criteria provided. Collection method: clinical testing. Allele origin: germline. Affected: yes. Study: VKGL Data-share Consensus. Not counted in ClinVar's aggregate classification.

Joint Genome Diagnostic Labs from Nijmegen and Maastricht, Radboudumc and MUMC+
Classification: Uncertain significance. Review status: no assertion criteria provided. Collection method: clinical testing. Allele origin: germline. Affected: yes. Study: VKGL Data-share Consensus. Not counted in ClinVar's aggregate classification.

Literature cited by the submitters: PubMed 25351510 (cited by All of Us Research Program, National Institutes of Health and Ambry Genetics); PubMed 30847666 (cited by All of Us Research Program, National Institutes of Health and Ambry Genetics).